The following is an entry in ClinVar:

ClinVar aggregate classification (germline): Uncertain significance (1 of 4 stars; one submission).

Conditions:
Pyogenic arthritis-pyoderma gangrenosum-acne syndrome (PAPA). Also called: FAMILIAL RECURRENT ARTHRITIS; PAPA SYNDROME. Identifiers: Orphanet 69126, MedGen C1858361, MONDO:0011462, OMIM 604416.

gnomAD v4.1: 2 of 1,602,834 alleles (0.00012%); highest among the groups gnomAD compares: Admixed American, 0.0034%; no homozygotes.

Submission:

Labcorp Genetics (formerly Invitae), Labcorp
Classification: Uncertain significance for Pyogenic arthritis-pyoderma gangrenosum-acne syndrome. Last evaluated: 2025-08-29. Review status: criteria provided, single submitter. Criteria: Invitae Variant Classification Sherloc (09022015). Collection method: clinical testing. Allele origin: germline.
Comment: This sequence change replaces alanine, which is neutral and non-polar, with valine, which is neutral and non-polar, at codon 154 of the PSTPIP1 protein (p.Ala154Val). The frequency data for this variant in the population databases is considered unreliable, as metrics indicate poor data quality at this position in the gnomAD database. This variant has not been reported in the literature in individuals affected with PSTPIP1-related conditions. Invitae Evidence Modeling of protein sequence and biophysical properties (such as structural, functional, and spatial information, amino acid conservation, physicochemical variation, residue mobility, and thermodynamic stability) indicates that this missense variant is not expected to disrupt PSTPIP1 protein function with a negative predictive value of 80%. In summary, the available evidence is currently insufficient to determine the role of this variant in disease. Therefore, it has been classified as a Variant of Uncertain Significance.

NM_003978.5(PSTPIP1):c.461C>T (p.Ala154Val)

Gene: PSTPIP1 (proline-serine-threonine phosphatase interacting protein 1; plus strand). Cytogenetic location: 15q24.3.
Variant type: single nucleotide variant.
Coding change: c.461C>T on transcript NM_003978.5 (MANE Select); coding-DNA position 461, C replaced by T.
Protein change: p.Ala154Val; replaces alanine 154 with valine.
Molecular consequence: missense variant. On other transcripts: non-coding transcript variant (1).
Genome position (GRCh38, 1-based): chr15:77,028,597, C>T. VCF-style: chr15-77028597-C-T. GRCh37 (hg19) VCF-style: chr15-77320938-C-T.
Other names: c.656C>T, p.Ala219Val (NM_001321137.1); c.461C>T, p.Ala154Val (NM_001411086.1, NM_001321135.2); c.434C>T, p.Ala145Val (NM_001321136.2); short protein forms A154V, A219V, A145V.
Identifiers: ClinVar variation 4704257 (VCV004704257.1).
Genomic context (GRCh38, chr15:77,028,597, plus strand): 5'-CCCCTCCACACCCCCAGTCCAAGAAGACATACGAGCAGAAGTGCCGGGACGCGGACGACG[C>T]GGAGCAGGCCTTCGAGCGCATTAGCGCCAACGGCCACCAGAAGCAGGTGGAGAAGGTGCG-3'
Protein context (NP_003969.2, residues 144-164): YEQKCRDADD[Ala154Val]EQAFERISAN